The following is an entry in ClinVar:

NM_003816.3(ADAM9):c.940G>A (p.Gly314Arg)

Gene: ADAM9 (ADAM metallopeptidase domain 9; plus strand). Cytogenetic location: 8p11.22.
Variant type: single nucleotide variant.
Coding change: c.940G>A on transcript NM_003816.3 (MANE Select); coding-DNA position 940, G replaced by A.
Protein change: p.Gly314Arg; replaces glycine 314 with arginine.
Molecular consequence: missense variant. On other transcripts: non-coding transcript variant (3).
Genome position (GRCh38, 1-based): chr8:39,025,828, G>A. VCF-style: chr8-39025828-G-A. GRCh37 (hg19) VCF-style: chr8-38883347-G-A.
Other names: short protein forms G314R.
Identifiers: ClinVar variation 1478563 (VCV001478563.9), dbSNP rs2129434354, ClinGen allele CA370754417.

ClinVar aggregate classification (germline): Uncertain significance. Review status: criteria provided, multiple submitters, no conflicts (2 of 4 stars). 2 submissions from 2 submitters: Uncertain significance (2). Last evaluated 2022-04-25.

Submissions (2):

Blueprint Genetics
Classification: Uncertain significance. Last evaluated: 2022-04-25. Review status: criteria provided, single submitter. Criteria: ACMG Guidelines, 2015. Collection method: clinical testing. Allele origin: germline.

Labcorp Genetics (formerly Invitae), Labcorp
Classification: Uncertain significance. Last evaluated: 2020-10-26. Review status: criteria provided, single submitter. Criteria: Invitae Variant Classification Sherloc (09022015). Collection method: clinical testing. Allele origin: germline.
Comment: This sequence change replaces glycine with arginine at codon 314 of the ADAM9 protein (p.Gly314Arg). The glycine residue is highly conserved and there is a moderate physicochemical difference between glycine and arginine. This variant is not present in population databases (ExAC no frequency). This variant has not been reported in the literature in individuals with ADAM9-related conditions. Algorithms developed to predict the effect of missense changes on protein structure and function (SIFT, PolyPhen-2, Align-GVGD) all suggest that this variant is likely to be disruptive, but these predictions have not been confirmed by published functional studies and their clinical significance is uncertain. In summary, the available evidence is currently insufficient to determine the role of this variant in disease. Therefore, it has been classified as a Variant of Uncertain Significance.